The following is an entry in ClinVar:

NM_001110556.2(FLNA):c.182G>A (p.Ser61Asn)

Gene: FLNA (filamin A; minus strand). Cytogenetic location: Xq28.
Variant type: single nucleotide variant.
Coding change: c.182G>A on transcript NM_001110556.2 (MANE Select); coding-DNA position 182, G replaced by A.
Protein change: p.Ser61Asn; replaces serine 61 with asparagine.
Molecular consequence: missense variant.
Genome position (GRCh38, 1-based): chrX:154,371,064, C>T on the plus strand (G>A on the coding strand, the complement: FLNA is on the minus strand). VCF-style: chrX-154371064-C-T. GRCh37 (hg19) VCF-style: chrX-153599432-C-T.
Other names: c.182G>A (NM_001456.3); c.182G>A, p.Ser61Asn (NM_001456.4); short protein forms S61N.
Identifiers: ClinVar variation 1002985 (VCV001002985.9), dbSNP rs1557180197, ClinGen allele CA415255127.

ClinVar aggregate classification (germline): Uncertain significance. Review status: criteria provided, multiple submitters, no conflicts (2 of 4 stars). 4 submissions from 4 submitters: Uncertain significance (4). Last evaluated 2024-04-01.

Conditions:
FLNA-related disorder.
Oto-palato-digital syndrome, type II (OPD2). Also called: FACIOPALATOOSSEOUS SYNDROME; OPD II SYNDROME; Otopalatodigital Syndrome, Type II; Otopalatodigital Syndrome Type 2 (FLNA-OPD2). Identifiers: Orphanet 669, Orphanet 90652, MedGen C1844696, MONDO:0010571, OMIM 304120.
Heterotopia, periventricular, X-linked dominant (PVNH1). Also called: X-linked periventricular heterotopia; PERIVENTRICULAR NODULAR HETEROTOPIA 4; HETEROTOPIA, PERIVENTRICULAR, 1; PERIVENTRICULAR NODULAR HETEROTOPIA 1. Identifiers: Orphanet 2149, Orphanet 82004, MedGen C1848213, MONDO:0010233, OMIM 300049.
Melnick-Needles syndrome (MNS). Also called: MELNICK-NEEDLES OSTEODYSPLASTY; OSTEODYSPLASTY OF MELNICK AND NEEDLES; Melnick-Needles Syndrome (FLNA-MNS). Identifiers: Orphanet 2484, MedGen C0025237, MONDO:0010650, OMIM 309350.
Frontometaphyseal dysplasia (FMD1). Identifiers: Orphanet 1826, MedGen C0265293, MONDO:0015942.

gnomAD v4.1: 7 of 1,205,457 alleles (0.00058%); highest among the groups gnomAD compares: Non-Finnish European, 0.00078%; no homozygotes.

Submissions (4):

Daryl Scott Lab, Baylor College of Medicine
Classification: Uncertain significance for FLNA-related disorder. Last evaluated: 2024-04-01. Review status: criteria provided, single submitter. Criteria: ACMG Guidelines, 2015. Collection method: clinical testing. Allele origin: unknown. Observed: 1 heterozygote.
Comment: PM2

Labcorp Genetics (formerly Invitae), Labcorp
Classification: Uncertain significance for Oto-palato-digital syndrome, type II; Heterotopia, periventricular, X-linked dominant; Frontometaphyseal dysplasia; Melnick-Needles syndrome. Last evaluated: 2023-06-29. Review status: criteria provided, single submitter. Criteria: Invitae Variant Classification Sherloc (09022015). Collection method: clinical testing. Allele origin: germline.
Comment: In summary, the available evidence is currently insufficient to determine the role of this variant in disease. Therefore, it has been classified as a Variant of Uncertain Significance. Advanced modeling of protein sequence and biophysical properties (such as structural, functional, and spatial information, amino acid conservation, physicochemical variation, residue mobility, and thermodynamic stability) performed at Invitae indicates that this missense variant is not expected to disrupt FLNA protein function. ClinVar contains an entry for this variant (Variation ID: 1002985). This missense change has been observed in individual(s) with Marfan syndrome (PMID: 27724990). This variant is not present in population databases (gnomAD no frequency). This sequence change replaces serine, which is neutral and polar, with asparagine, which is neutral and polar, at codon 61 of the FLNA protein (p.Ser61Asn).

Baylor Genetics
Classification: Uncertain significance for Heterotopia, periventricular, X-linked dominant. Last evaluated: 2022-08-29. Review status: criteria provided, single submitter. Criteria: ACMG Guidelines, 2015. Collection method: clinical testing. Allele origin: unknown.

Blueprint Genetics
Classification: Uncertain significance. Last evaluated: 2021-02-12. Review status: criteria provided, single submitter. Criteria: ACMG Guidelines, 2015. Collection method: clinical testing. Allele origin: germline.

Literature cited by the submitters: PubMed 27724990 (cited by Labcorp Genetics (formerly Invitae), Labcorp).